The following is an entry in ClinVar:

ClinVar aggregate classification (germline): Benign (1 of 4 stars; one submission).

Conditions:
Maple syrup urine disease (MSUD). Identifiers: Orphanet 511, MedGen C0024776, MeSH D008375, MONDO:0009563. Disease mechanism: loss of function.

Allele frequency attached by ClinVar (database versions not stated): gnomAD exomes 0.66667; 1000 Genomes Project 0.71526; 1000 Genomes Project 30x 0.71814; gnomAD 0.77644 and 0.78143; TOPMed 0.77910.
gnomAD v4.1: 118,020 of 151,884 alleles (78%); highest among the groups gnomAD compares: Admixed American, 84%; 46,195 homozygotes.

Submission:

Illumina Laboratory Services, Illumina
Classification: Benign for Maple syrup urine disease type 1A. Last evaluated: 2018-01-13. Review status: criteria provided, single submitter. Criteria: ICSL Variant Classification Criteria 13 December 2019. Collection method: clinical testing. Allele origin: germline.
Comment: This variant was observed in the ICSL laboratory as part of a predisposition screen in an ostensibly healthy population. It had not been previously curated by ICSL or reported in the Human Gene Mutation Database (HGMD: prior to June 1st, 2018), and was therefore a candidate for classification through an automated scoring system. Utilizing variant allele frequency, disease prevalence and penetrance estimates, and inheritance mode, an automated score was calculated to assess if this variant is too frequent to cause the disease. Based on the score and internal cut-off values, a variant classified as benign is not then subjected to further curation. The score for this variant resulted in a classification of benign for this disease.

NM_183050.4(BCKDHB):c.*1810T>C

Gene: BCKDHB (branched chain keto acid dehydrogenase E1 subunit beta; plus strand). Cytogenetic location: 6q14.1.
Variant type: single nucleotide variant.
Coding change: c.*1810T>C on transcript NM_183050.4 (MANE Select); 1810 bases downstream of the stop codon, T replaced by C.
Molecular consequence: 3 prime UTR variant. On other transcripts: non-coding transcript variant (1), intron variant (1).
Genome position (GRCh38, 1-based): chr6:80,345,614, T>C. VCF-style: chr6-80345614-T-C. GRCh37 (hg19) VCF-style: chr6-81055331-T-C.
Other names: c.*1810T>C (NM_001318975.1); c.*9-361T>C (NM_000056.5).
Identifiers: ClinVar variation 358208 (VCV000358208.5), dbSNP rs7740932, ClinGen allele CA10627801.